The following is an entry in ClinVar:

NM_002878.4(RAD51D):c.453G>C (p.Gln151His)

Genes: RAD51L3-RFFL (RAD51L3-RFFL readthrough; minus strand), RAD51D (RAD51 paralog D; minus strand). Cytogenetic location: 17q12.
Variant type: single nucleotide variant.
Coding change: c.453G>C on transcript NM_002878.4 (MANE Select); coding-DNA position 453, G replaced by C.
Protein change: p.Gln151His; replaces glutamine 151 with histidine.
Molecular consequence: missense variant. On other transcripts: non-coding transcript variant (1), intron variant (1).
Genome position (GRCh38, 1-based): chr17:35,107,015, C>G on the plus strand (G>C on the coding strand, the complement: RAD51D is on the minus strand). VCF-style: chr17-35107015-C-G. GRCh37 (hg19) VCF-style: chr17-33434034-C-G.
Other names: c.513G>C, p.Gln171His (NM_001142571.2); c.145-534G>C (NM_133629.3); short protein forms Q151H, Q171H.
Identifiers: ClinVar variation 2448050 (VCV002448050.2), dbSNP rs2142432491, ClinGen allele CA399089203.

ClinVar aggregate classification (germline): Uncertain significance (1 of 4 stars; one submission).

Conditions:
Hereditary cancer-predisposing syndrome. Also called: Neoplastic Syndromes, Hereditary; Hereditary Cancer Syndrome; Tumor predisposition; Hereditary neoplastic syndrome. Identifiers: Orphanet 140162, MedGen C0027672, MeSH D009386, MONDO:0015356.

Submission:

Ambry Genetics
Classification: Uncertain significance for Hereditary cancer-predisposing syndrome. Last evaluated: 2023-01-12. Review status: criteria provided, single submitter. Criteria: Ambry Variant Classification Scheme 2023. Collection method: clinical testing. Allele origin: germline.
Comment: The p.Q151H variant (also known as c.453G>C), located in coding exon 5 of the RAD51D gene, results from a G to C substitution at nucleotide position 453. The glutamine at codon 151 is replaced by histidine, an amino acid with highly similar properties. This amino acid position is conserved. In addition, the in silico prediction for this alteration is inconclusive. Since supporting evidence is limited at this time, the clinical significance of this alteration remains unclear.